The following is an entry in ClinVar:

NM_001127453.2(GSDME):c.1231C>T (p.Gln411Ter)

Gene: GSDME (gasdermin E; minus strand). Cytogenetic location: 7p15.3.
Variant type: single nucleotide variant.
Coding change: c.1231C>T on transcript NM_001127453.2 (MANE Select); coding-DNA position 1231, C replaced by T.
Protein change: p.Gln411Ter; replaces glutamine 411 with a stop codon.
Molecular consequence: nonsense.
Genome position (GRCh38, 1-based): chr7:24,702,786, G>A on the plus strand (C>T on the coding strand, the complement: GSDME is on the minus strand). VCF-style: chr7-24702786-G-A. GRCh37 (hg19) VCF-style: chr7-24742405-G-A.
Other names: c.739C>T, p.Gln247Ter (NM_001127454.2, NM_001438059.1); c.1231C>T, p.Gln411Ter (NM_004403.3); short protein forms Q247*, Q411*.
Identifiers: ClinVar variation 4852120 (VCV004852120.2), dbSNP rs11539305.

ClinVar aggregate classification (germline): Uncertain significance (1 of 4 stars; one submission).

Conditions:
Autosomal dominant nonsyndromic hearing loss 5. Identifiers: Orphanet 90635, MedGen C1832932, MONDO:0010973, OMIM 600994.

gnomAD v4.1: 38 of 1,613,444 alleles (0.0024%); highest among the groups gnomAD compares: Non-Finnish European, 0.0028%; no homozygotes.

Submission:

Laboratory of Molecular, Cellular and Translation Genetics in Otolaryngology/ Lim32-hcfmusp, University of Sao Paulo School of Medicine Clinics Hospital
Classification: Uncertain significance for Autosomal dominant nonsyndromic hearing loss 5. Last evaluated: 2026-04-30. Review status: criteria provided, single submitter. Criteria: ACMG Guidelines, 2015. Collection method: research. Allele origin: germline. Affected: yes.
Comment: NM_001127453.2:c.1231C>T: p.(Gln411*). This variant has been classified as a variant of uncertain significance (VUS). It is rare in population databases (PM2_supporting) and represents a predicted loss-of-function variant in a gene in which loss of function is an established disease mechanism (PVS1_strong). However, the available evidence is insufficient to definitively establish this variant as causative as described in PMID: 42233699.

Literature cited by the submitters: PubMed 42233699.